The following is an entry in ClinVar:

NM_000143.4(FH):c.734G>A (p.Gly245Glu)

Gene: FH (fumarate hydratase; minus strand). Cytogenetic location: 1q43.
Variant type: single nucleotide variant.
Coding change: c.734G>A on transcript NM_000143.4 (MANE Select); coding-DNA position 734, G replaced by A.
Protein change: p.Gly245Glu; replaces glycine 245 with glutamic acid.
Molecular consequence: missense variant.
Genome position (GRCh38, 1-based): chr1:241,508,607, C>T on the plus strand (G>A on the coding strand, the complement: FH is on the minus strand). VCF-style: chr1-241508607-C-T. GRCh37 (hg19) VCF-style: chr1-241671907-C-T.
Other names: short protein forms G245E.
Identifiers: ClinVar variation 1758447 (VCV001758447.4), dbSNP rs2527327058, ClinGen allele CA345439148.
Genomic context (GRCh38, chr1:241,508,607, plus strand): 5'-ACATTGGCCATTTGTACCAAGCTCTAAATTGAATCAAATTAGTCAAACTCCTATACCTGC[C>T]CAAGAGTAAGTGGAACAGCATCCTGAGTATGAGTACGTCCAATCTTGATGATCTGTGCAA-3'
Protein context (NP_000134.2, residues 235-255): HTQDAVPLTL[Gly245Glu]QEFSGYVQQV

ClinVar aggregate classification (germline): Uncertain significance. Review status: criteria provided, multiple submitters, no conflicts (2 of 4 stars). 2 submissions from 2 submitters: Uncertain significance (2). Last evaluated 2026-01-30.

Conditions:
Hereditary cancer-predisposing syndrome. Also called: Tumor predisposition; Hereditary Cancer Syndrome; Hereditary neoplastic syndrome; Neoplastic Syndromes, Hereditary. Identifiers: Orphanet 140162, MedGen C0027672, MeSH D009386, MONDO:0015356.
Fumarase deficiency (FMRD). Also called: Fumaric aciduria; Fumarate Hydratase Deficiency. Identifiers: Orphanet 24, MedGen C0342770, MONDO:0011730, OMIM 606812.

Submissions (2):

Ambry Genetics
Classification: Uncertain significance for Hereditary cancer-predisposing syndrome. Last evaluated: 2026-01-30. Review status: criteria provided, single submitter. Criteria: Ambry Variant Classification Scheme 2023. Collection method: clinical testing. Allele origin: germline.
Comment: The p.G245E variant (also known as c.734G>A), located in coding exon 5 of the FH gene, results from a G to A substitution at nucleotide position 734. The glycine at codon 245 is replaced by glutamic acid, an amino acid with similar properties. This amino acid position is highly conserved in available vertebrate species. In addition, this alteration is predicted to be deleterious by in silico analysis. Based on the available evidence, the clinical significance of this variant remains unclear.

Baylor Genetics
Classification: Uncertain significance for Fumarase deficiency. Last evaluated: 2023-12-01. Review status: criteria provided, single submitter. Criteria: ACMG Guidelines, 2015. Collection method: clinical testing. Allele origin: unknown.